The following is an entry in ClinVar:

NM_005908.4(MANBA):c.242G>A (p.Ser81Asn)

Gene: MANBA (mannosidase beta; minus strand). Cytogenetic location: 4q24.
Variant type: single nucleotide variant.
Coding change: c.242G>A on transcript NM_005908.4 (MANE Select); coding-DNA position 242, G replaced by A.
Protein change: p.Ser81Asn; replaces serine 81 with asparagine.
Molecular consequence: missense variant.
Genome position (GRCh38, 1-based): chr4:102,726,619, C>T on the plus strand (G>A on the coding strand, the complement: MANBA is on the minus strand). VCF-style: chr4-102726619-C-T. GRCh37 (hg19) VCF-style: chr4-103647776-C-T.
Other names: short protein forms S81N.
Identifiers: ClinVar variation 1394980 (VCV001394980.8), dbSNP rs372866446, ClinGen allele CA103130367.

ClinVar aggregate classification (germline): Uncertain significance (1 of 4 stars; one submission).

Conditions:
Beta-D-mannosidosis (MANSB). Also called: MANNOSIDOSIS, BETA A, LYSOSOMAL; BETA-MANNOSIDASE DEFICIENCY; LYSOSOMAL BETA-MANNOSIDASE DEFICIENCY; Beta-Mannosidosis. Identifiers: Orphanet 118, MedGen C4048196, MONDO:0009562, OMIM 248510.

Allele frequency attached by ClinVar (database versions not stated): gnomAD exomes below 0.00001.
gnomAD v4.1: 7 of 1,558,282 alleles (0.00045%); highest among the groups gnomAD compares: African/African-American, 0.0027%; no homozygotes.

Submission:

Labcorp Genetics (formerly Invitae), Labcorp
Classification: Uncertain significance for Beta-D-mannosidosis. Last evaluated: 2023-07-17. Review status: criteria provided, single submitter. Criteria: Invitae Variant Classification Sherloc (09022015). Collection method: clinical testing. Allele origin: germline.
Comment: This sequence change replaces serine, which is neutral and polar, with asparagine, which is neutral and polar, at codon 81 of the MANBA protein (p.Ser81Asn). This variant is not present in population databases (gnomAD no frequency). This variant has not been reported in the literature in individuals affected with MANBA-related conditions. ClinVar contains an entry for this variant (Variation ID: 1394980). Advanced modeling of protein sequence and biophysical properties (such as structural, functional, and spatial information, amino acid conservation, physicochemical variation, residue mobility, and thermodynamic stability) has been performed at Invitae for this missense variant, however the output from this modeling did not meet the statistical confidence thresholds required to predict the impact of this variant on MANBA protein function. In summary, the available evidence is currently insufficient to determine the role of this variant in disease. Therefore, it has been classified as a Variant of Uncertain Significance.